The following is an entry in ClinVar:

NM_002878.4(RAD51D):c.973G>C (p.Gly325Arg)

Genes: RAD51D (RAD51 paralog D; minus strand), RAD51L3-RFFL (RAD51L3-RFFL readthrough; minus strand). Cytogenetic location: 17q12.
Variant type: single nucleotide variant.
Coding change: c.973G>C on transcript NM_002878.4 (MANE Select); coding-DNA position 973, G replaced by C.
Protein change: p.Gly325Arg; replaces glycine 325 with arginine.
Molecular consequence: missense variant. On other transcripts: non-coding transcript variant (2).
Genome position (GRCh38, 1-based): chr17:35,100,967, C>G on the plus strand (G>C on the coding strand, the complement: RAD51D is on the minus strand). VCF-style: chr17-35100967-C-G. GRCh37 (hg19) VCF-style: chr17-33427986-C-G.
Other names: c.1033G>C, p.Gly345Arg (NM_001142571.2); c.637G>C, p.Gly213Arg (NM_133629.3); short protein forms G325R, G213R, G345R.
Identifiers: ClinVar variation 2011510 (VCV002011510.4), dbSNP rs587780106, ClinGen allele CA399086050.

ClinVar aggregate classification (germline): Uncertain significance (1 of 4 stars; one submission).

Conditions:
Breast-ovarian cancer, familial, susceptibility to, 4. Identifiers: Orphanet 145, MedGen C3280345, MONDO:0013669, OMIM 614291.

Submission:

Labcorp Genetics (formerly Invitae), Labcorp
Classification: Uncertain significance for Breast-ovarian cancer, familial, susceptibility to, 4. Last evaluated: 2025-07-27. Review status: criteria provided, single submitter. Criteria: Invitae Variant Classification Sherloc (09022015). Collection method: clinical testing. Allele origin: germline.
Comment: This sequence change replaces glycine, which is neutral and non-polar, with arginine, which is basic and polar, at codon 325 of the RAD51D protein (p.Gly325Arg). This variant is not present in population databases (gnomAD no frequency). This variant has not been reported in the literature in individuals affected with RAD51D-related conditions. ClinVar contains an entry for this variant (Variation ID: 2011510). An algorithm developed to predict the effect of missense changes on protein structure and function outputs the following: PolyPhen-2: "Benign". The arginine amino acid residue is found in multiple mammalian species, which suggests that this missense change does not adversely affect protein function. In summary, the available evidence is currently insufficient to determine the role of this variant in disease. Therefore, it has been classified as a Variant of Uncertain Significance.